The following is an entry in ClinVar:

ClinVar aggregate classification (germline): Uncertain significance. Review status: criteria provided, multiple submitters, no conflicts (2 of 4 stars). 2 submissions from 2 submitters: Uncertain significance (2). Last evaluated 2025-08-29.

Conditions:
Hypertrophic cardiomyopathy. Also called: HYPERTROPHIC MYOCARDIOPATHY. Identifiers: Orphanet 217569, MedGen C0007194, MeSH D002312, MONDO:0005045, HP:0001639.
Cardiomyopathy (CMYO). Also called: Cardiomyopathies. Identifiers: Orphanet 167848, MedGen C0878544, MONDO:0004994, HP:0001638. Inheritance: Various modes of inheritance.

gnomAD v4.1: 7 of 1,613,662 alleles (0.00043%); highest among the groups gnomAD compares: Non-Finnish European, 0.00059%; no homozygotes.

Submissions (2):

Labcorp Genetics (formerly Invitae), Labcorp
Classification: Uncertain significance for Hypertrophic cardiomyopathy. Last evaluated: 2025-08-29. Review status: criteria provided, single submitter. Criteria: Invitae Variant Classification Sherloc (09022015). Collection method: clinical testing. Allele origin: germline.
Comment: This sequence change replaces serine, which is neutral and polar, with phenylalanine, which is neutral and non-polar, at codon 1362 of the MYH7 protein (p.Ser1362Phe). This variant is present in population databases (no rsID available, gnomAD 0.003%). This variant has not been reported in the literature in individuals affected with MYH7-related conditions. Invitae Evidence Modeling of protein sequence and biophysical properties (such as structural, functional, and spatial information, amino acid conservation, physicochemical variation, residue mobility, and thermodynamic stability) indicates that this missense variant is expected to disrupt MYH7 protein function with a positive predictive value of 95%. In summary, the available evidence is currently insufficient to determine the role of this variant in disease. Therefore, it has been classified as a Variant of Uncertain Significance.

Color Diagnostics, LLC DBA Color Health
Classification: Uncertain significance for Cardiomyopathy. Last evaluated: 2025-06-23. Review status: criteria provided, single submitter. Criteria: ACMG Guidelines, 2015. Collection method: clinical testing. Allele origin: germline.
Comment: This missense variant replaces serine with phenylalanine at codon 1362 of the MYH7 protein. Computational prediction suggests that this variant may have deleterious impact on protein structure and function. To our knowledge, functional studies have not been reported for this variant. This variant has not been reported in individuals affected with MYH7-related disorders in the literature. This variant has been identified in 3/251458 chromosomes in the general population by the Genome Aggregation Database (gnomAD). The available evidence is insufficient to determine the role of this variant in disease conclusively. Therefore, this variant is classified as a Variant of Uncertain Significance.

NM_000257.4(MYH7):c.4085C>T (p.Ser1362Phe)

Gene: MYH7 (myosin heavy chain 7; minus strand). Cytogenetic location: 14q11.2.
Variant type: single nucleotide variant.
Coding change: c.4085C>T on transcript NM_000257.4 (MANE Select); coding-DNA position 4085, C replaced by T.
Protein change: p.Ser1362Phe; replaces serine 1362 with phenylalanine.
Molecular consequence: missense variant.
Genome position (GRCh38, 1-based): chr14:23,418,294, G>A on the plus strand (C>T on the coding strand, the complement: MYH7 is on the minus strand). VCF-style: chr14-23418294-G-A. GRCh37 (hg19) VCF-style: chr14-23887503-G-A.
Other names: c.4085C>T, p.Ser1362Phe (NM_001407004.1); short protein forms S1362F.
Identifiers: ClinVar variation 4758818 (VCV004758818.2).